The following is an entry in ClinVar:

NM_006206.6(PDGFRA):c.1289G>A (p.Gly430Glu)

Gene: PDGFRA (platelet derived growth factor receptor alpha; plus strand). Cytogenetic location: 4q12.
Variant type: single nucleotide variant.
Coding change: c.1289G>A on transcript NM_006206.6 (MANE Select); coding-DNA position 1289, G replaced by A.
Protein change: p.Gly430Glu; replaces glycine 430 with glutamic acid.
Molecular consequence: missense variant.
Genome position (GRCh38, 1-based): chr4:54,272,445, G>A. VCF-style: chr4-54272445-G-A. GRCh37 (hg19) VCF-style: chr4-55138612-G-A.
Other names: c.1289G>A, p.Gly430Glu (NM_001347827.2, NM_001347829.2); c.1364G>A, p.Gly455Glu (NM_001347828.2); c.1328G>A, p.Gly443Glu (NM_001347830.2); short protein forms G455E, G443E, G430E.
Identifiers: ClinVar variation 2104271 (VCV002104271.5), dbSNP rs202072966, ClinGen allele CA96855742.
Genomic context (GRCh38, chr4:54,272,445, plus strand): 5'-CTCTTGCAGTTCCTTCATCCATTCTGGACTTGGTCGATGATCACCATGGCTCAACTGGGG[G>A]ACAGACGGTGAGGTGCACAGCTGAAGGCACGCCGCTTCCTGATATTGAGTGGATGATATG-3'
Protein context (NP_006197.1, residues 420-440): LVDDHHGSTG[Gly430Glu]QTVRCTAEGT

ClinVar aggregate classification (germline): Uncertain significance. Review status: criteria provided, multiple submitters, no conflicts (2 of 4 stars). 2 submissions from 2 submitters: Uncertain significance (2). Last evaluated 2026-07-06.

Conditions:
Gastrointestinal stromal tumor. Also called: Gastrointestinal stroma tumor; Gastrointestinal stromal tumor, somatic. Identifiers: Orphanet 44890, MedGen C0238198, MeSH D046152, MONDO:0011719, OMIM 606764, HP:0100723.
Hereditary cancer-predisposing syndrome. Also called: Tumor predisposition; Hereditary Cancer Syndrome; Hereditary neoplastic syndrome; Neoplastic Syndromes, Hereditary. Identifiers: Orphanet 140162, MedGen C0027672, MeSH D009386, MONDO:0015356.

Allele frequency attached by ClinVar (database versions not stated): 1000 Genomes Project 30x 0.00016; 1000 Genomes Project 0.00020.

Submissions (2):

Ambry Genetics
Classification: Uncertain significance for Hereditary cancer-predisposing syndrome. Last evaluated: 2026-07-06. Review status: criteria provided, single submitter. Criteria: Ambry Variant Classification Scheme 2023. Collection method: clinical testing. Allele origin: germline.
Comment: The p.G430E variant (also known as c.1289G>A), located in coding exon 8 of the PDGFRA gene, results from a G to A substitution at nucleotide position 1289. The glycine at codon 430 is replaced by glutamic acid, an amino acid with similar properties. This amino acid position is conserved. In addition, this alteration is predicted to be tolerated by in silico analysis. Based on the available evidence, the clinical significance of this variant remains unclear.

Labcorp Genetics (formerly Invitae), Labcorp
Classification: Uncertain significance for Gastrointestinal stromal tumor. Last evaluated: 2024-09-04. Review status: criteria provided, single submitter. Criteria: Invitae Variant Classification Sherloc (09022015). Collection method: clinical testing. Allele origin: germline.
Comment: This sequence change replaces glycine, which is neutral and non-polar, with glutamic acid, which is acidic and polar, at codon 430 of the PDGFRA protein (p.Gly430Glu). This variant is not present in population databases (gnomAD no frequency). This variant has not been reported in the literature in individuals affected with PDGFRA-related conditions. ClinVar contains an entry for this variant (Variation ID: 2104271). An algorithm developed to predict the effect of missense changes on protein structure and function outputs the following: PolyPhen-2: "Benign". The glutamic acid amino acid residue is found in multiple mammalian species, which suggests that this missense change does not adversely affect protein function. In summary, the available evidence is currently insufficient to determine the role of this variant in disease. Therefore, it has been classified as a Variant of Uncertain Significance.